The following is an entry in ClinVar:

ClinVar aggregate classification (germline): Uncertain significance (1 of 4 stars; one submission).

Submission:

GeneDx
Classification: Uncertain significance. Last evaluated: 2026-04-04. Review status: criteria provided, single submitter. Criteria: GeneDx Variant Classification Process June 2021. Collection method: clinical testing. Allele origin: germline.
Comment: Not observed at significant frequency in large population cohorts (gnomAD); In silico analysis supports that this missense variant has a deleterious effect on protein structure/function; Has not been previously published as pathogenic or benign to our knowledge

NM_021120.4(DLG3):c.2069A>C (p.Lys690Thr)

Gene: DLG3 (discs large MAGUK scaffold protein 3; plus strand). Cytogenetic location: Xq13.1.
Variant type: single nucleotide variant.
Coding change: c.2069A>C on transcript NM_021120.4 (MANE Select); coding-DNA position 2069, A replaced by C.
Protein change: p.Lys690Thr; replaces lysine 690 with threonine.
Molecular consequence: missense variant.
Genome position (GRCh38, 1-based): chrX:70,499,973, A>C. VCF-style: chrX-70499973-A-C. GRCh37 (hg19) VCF-style: chrX-69719823-A-C.
Other names: c.716A>C, p.Lys239Thr (NM_001166278.2); c.1154A>C, p.Lys385Thr (NM_020730.3); short protein forms K239T, K385T, K690T.
Identifiers: ClinVar variation 5016892 (VCV005016892.1).
Genomic context (GRCh38, chrX:70,499,973, plus strand): 5'-GACAAGACTACCACTTTGTGGTGTCCCGAGAACAAATGGAGAAAGATATTCAGGACAACA[A>C]GTTCATCGAGGCGGGCCAATTTAATGATAACCTCTATGGGACCAGCATCCAGTCAGTGCG-3'
Protein context (NP_066943.2, residues 680-700): EQMEKDIQDN[Lys690Thr]FIEAGQFNDN